The following is an entry in ClinVar:

ClinVar aggregate classification (germline): Uncertain significance (1 of 4 stars; one submission).

Submission:

GeneDx
Classification: Uncertain significance. Last evaluated: 2024-02-20. Review status: criteria provided, single submitter. Criteria: GeneDx Variant Classification Process June 2021. Collection method: clinical testing. Allele origin: germline. Affected: yes.
Comment: Not observed at significant frequency in large population cohorts (gnomAD); In silico analysis supports that this missense variant has a deleterious effect on protein structure/function; Has not been previously published as pathogenic or benign to our knowledge

NM_015057.5(MYCBP2):c.10336C>T (p.Pro3446Ser)

Gene: MYCBP2 (MYC binding protein 2; minus strand). Cytogenetic location: 13q22.3.
Variant type: single nucleotide variant.
Coding change: c.10336C>T on transcript NM_015057.5 (MANE Select); coding-DNA position 10336, C replaced by T.
Protein change: p.Pro3446Ser; replaces proline 3446 with serine.
Molecular consequence: missense variant.
Genome position (GRCh38, 1-based): chr13:77,093,196, G>A on the plus strand (C>T on the coding strand, the complement: MYCBP2 is on the minus strand). VCF-style: chr13-77093196-G-A. GRCh37 (hg19) VCF-style: chr13-77667331-G-A.
Other names: short protein forms P3446S.
Identifiers: ClinVar variation 3369276 (VCV003369276.1).